The following is an entry in ClinVar:

NM_007254.4(PNKP):c.793A>G (p.Met265Val)

Gene: PNKP (polynucleotide kinase 3'-phosphatase; minus strand). Cytogenetic location: 19q13.33.
Variant type: single nucleotide variant.
Coding change: c.793A>G on transcript NM_007254.4 (MANE Select); coding-DNA position 793, A replaced by G.
Protein change: p.Met265Val; replaces methionine 265 with valine.
Molecular consequence: missense variant.
Genome position (GRCh38, 1-based): chr19:49,863,712, T>C on the plus strand (A>G on the coding strand, the complement: PNKP is on the minus strand). VCF-style: chr19-49863712-T-C. GRCh37 (hg19) VCF-style: chr19-50366969-T-C.
Other names: c.793A>G (NM_007254.3); short protein forms M265V.
Identifiers: ClinVar variation 2997130 (VCV002997130.4), dbSNP rs2514638639, ClinGen allele CA406883934.

ClinVar aggregate classification (germline): Uncertain significance. Review status: criteria provided, multiple submitters, no conflicts (2 of 4 stars). 2 submissions from 2 submitters: Uncertain significance (2). Last evaluated 2025-03-31.

Conditions:
Inborn genetic diseases. Identifiers: MedGen C0950123, MeSH D030342.
Developmental and epileptic encephalopathy, 12 (DEE12). Identifiers: MedGen C3150988, MONDO:0013389, OMIM 613722.

gnomAD v4.1: 1 of 1,556,958 alleles (0.000064%); highest among the groups gnomAD compares: Non-Finnish European, 0.000087%; no homozygotes.

Submissions (2):

Labcorp Genetics (formerly Invitae), Labcorp
Classification: Uncertain significance for Developmental and epileptic encephalopathy, 12. Last evaluated: 2025-03-31. Review status: criteria provided, single submitter. Criteria: Invitae Variant Classification Sherloc (09022015). Collection method: clinical testing. Allele origin: germline.
Comment: This sequence change replaces methionine, which is neutral and non-polar, with valine, which is neutral and non-polar, at codon 265 of the PNKP protein (p.Met265Val). This variant is not present in population databases (gnomAD no frequency). This variant has not been reported in the literature in individuals affected with PNKP-related conditions. ClinVar contains an entry for this variant (Variation ID: 2997130). Invitae Evidence Modeling of protein sequence and biophysical properties (such as structural, functional, and spatial information, amino acid conservation, physicochemical variation, residue mobility, and thermodynamic stability) indicates that this missense variant is not expected to disrupt PNKP protein function with a negative predictive value of 80%. In summary, the available evidence is currently insufficient to determine the role of this variant in disease. Therefore, it has been classified as a Variant of Uncertain Significance.

Ambry Genetics
Classification: Uncertain significance for Inborn genetic diseases. Last evaluated: 2025-01-22. Review status: criteria provided, single submitter. Criteria: Ambry Variant Classification Scheme 2023. Collection method: clinical testing. Allele origin: germline.